The following is an entry in ClinVar:

ClinVar aggregate classification (germline): Uncertain significance (1 of 4 stars; one submission).

Conditions:
Hereditary pheochromocytoma and paraganglioma. Also called: Hereditary paragangliomas and pheochromocytomas; Hereditary pheochromocytoma-paraganglioma; Hereditary Paraganglioma-Pheochromocytoma Syndromes. Identifiers: Orphanet 29072, MedGen C4274332, MONDO:0017366.

Submission:

Labcorp Genetics (formerly Invitae), Labcorp
Classification: Uncertain significance for Hereditary pheochromocytoma and paraganglioma. Last evaluated: 2020-08-18. Review status: criteria provided, single submitter. Criteria: Invitae Variant Classification Sherloc (09022015). Collection method: clinical testing. Allele origin: germline.
Comment: This sequence change replaces leucine with valine at codon 80 of the SDHAF2 protein (p.Leu80Val). The leucine residue is highly conserved and there is a small physicochemical difference between leucine and valine. This variant is not present in population databases (ExAC no frequency). This variant has not been reported in the literature in individuals with SDHAF2-related conditions. Algorithms developed to predict the effect of missense changes on protein structure and function (SIFT, PolyPhen-2, Align-GVGD) all suggest that this variant is likely to be disruptive, but these predictions have not been confirmed by published functional studies and their clinical significance is uncertain. In summary, the available evidence is currently insufficient to determine the role of this variant in disease. Therefore, it has been classified as a Variant of Uncertain Significance.

NM_017841.4(SDHAF2):c.238T>G (p.Leu80Val)

Gene: SDHAF2 (succinate dehydrogenase complex assembly factor 2; plus strand). Cytogenetic location: 11q12.2.
Variant type: single nucleotide variant.
Coding change: c.238T>G on transcript NM_017841.4 (MANE Select); coding-DNA position 238, T replaced by G.
Protein change: p.Leu80Val; replaces leucine 80 with valine.
Molecular consequence: missense variant.
Genome position (GRCh38, 1-based): chr11:61,437,826, T>G. VCF-style: chr11-61437826-T-G. GRCh37 (hg19) VCF-style: chr11-61205298-T-G.
Other names: short protein forms L80V.
Identifiers: ClinVar variation 1055763 (VCV001055763.9), dbSNP rs2134892506, ClinGen allele CA380683821.